The following is an entry in ClinVar:

NM_001999.4(FBN2):c.6056A>G (p.Glu2019Gly)

Gene: FBN2 (fibrillin 2; minus strand). Cytogenetic location: 5q23.3.
Variant type: single nucleotide variant.
Coding change: c.6056A>G on transcript NM_001999.4 (MANE Select); coding-DNA position 6056, A replaced by G.
Protein change: p.Glu2019Gly; replaces glutamic acid 2019 with glycine.
Molecular consequence: missense variant.
Genome position (GRCh38, 1-based): chr5:128,300,927, T>C on the plus strand (A>G on the coding strand, the complement: FBN2 is on the minus strand). VCF-style: chr5-128300927-T-C. GRCh37 (hg19) VCF-style: chr5-127636619-T-C.
Other names: short protein forms E2019G.
Identifiers: ClinVar variation 836328 (VCV000836328.10), dbSNP rs1749697561, ClinGen allele CA360766606.

ClinVar aggregate classification (germline): Uncertain significance (1 of 4 stars; one submission).

Conditions:
Congenital contractural arachnodactyly (CCA). Also called: BEALS SYNDROME; Beals-Hecht syndrome; Arthrogryposis, distal, type 9. Identifiers: Orphanet 115, MedGen C0220668, MONDO:0007363, OMIM 121050.

Submission:

Labcorp Genetics (formerly Invitae), Labcorp
Classification: Uncertain significance for Congenital contractural arachnodactyly. Last evaluated: 2023-12-13. Review status: criteria provided, single submitter. Criteria: Invitae Variant Classification Sherloc (09022015). Collection method: clinical testing. Allele origin: germline.
Comment: This sequence change replaces glutamic acid, which is acidic and polar, with glycine, which is neutral and non-polar, at codon 2019 of the FBN2 protein (p.Glu2019Gly). This variant is not present in population databases (gnomAD no frequency). This variant has not been reported in the literature in individuals affected with FBN2-related conditions. ClinVar contains an entry for this variant (Variation ID: 836328). Advanced modeling of protein sequence and biophysical properties (such as structural, functional, and spatial information, amino acid conservation, physicochemical variation, residue mobility, and thermodynamic stability) performed at Invitae indicates that this missense variant is expected to disrupt FBN2 protein function with a positive predictive value of 80%. In summary, the available evidence is currently insufficient to determine the role of this variant in disease. Therefore, it has been classified as a Variant of Uncertain Significance.